The following is an entry in ClinVar:

NM_000530.8(MPZ):c.345C>A (p.His115Gln)

Gene: MPZ (myelin protein zero; minus strand). Cytogenetic location: 1q23.3.
Variant type: single nucleotide variant.
Coding change: c.345C>A on transcript NM_000530.8 (MANE Select); coding-DNA position 345, C replaced by A.
Protein change: p.His115Gln; replaces histidine 115 with glutamine.
Molecular consequence: missense variant.
Genome position (GRCh38, 1-based): chr1:161,306,811, G>T on the plus strand (C>A on the coding strand, the complement: MPZ is on the minus strand). VCF-style: chr1-161306811-G-T. GRCh37 (hg19) VCF-style: chr1-161276601-G-T.
Other names: c.345C>A, p.His115Gln (NM_001315491.2); c.345C>A (NM_000530.6); short protein forms H115Q.
Identifiers: ClinVar variation 1361046 (VCV001361046.7), dbSNP rs752484126, ClinGen allele CA1210183.
Genomic context (GRCh38, chr1:161,306,811, plus strand): 5'-TATGTCTGGAGGGTTTTTGACGTCACAAGTGAACGTGCCATTGTCACTGTAGTCTAGGTT[G>T]TGTATGACAATGGAGCCATCCTTCCAGCGAGGGTCCCCTACCCACTGGATGCGCTCTTTG-3'
Protein context (NP_000521.2, residues 105-125): PRWKDGSIVI[His115Gln]NLDYSDNGTF

ClinVar aggregate classification (germline): Uncertain significance. Review status: criteria provided, multiple submitters, no conflicts (2 of 4 stars). 2 submissions from 2 submitters: Uncertain significance (2). Last evaluated 2024-06-26.

Conditions:
Charcot-Marie-Tooth disease, type I (CMT1). Also called: Charcot-Marie-Tooth, Type 1; Charcot-Marie-Tooth disease type 1. Identifiers: Orphanet 65753, MedGen C0751036, MONDO:0019011.

Allele frequency attached by ClinVar (database versions not stated): gnomAD exomes below 0.00001 and 0.00001; TOPMed below 0.00001; ExAC 0.00001.

Submissions (2):

GeneDx
Classification: Uncertain significance. Last evaluated: 2024-06-26. Review status: criteria provided, single submitter. Criteria: GeneDx Variant Classification Process June 2021. Collection method: clinical testing. Allele origin: germline. Affected: yes.
Comment: Not observed at significant frequency in large population cohorts (gnomAD); Missense variants in this gene are a common cause of disease and they are underrepresented in the general population; In silico analysis indicates that this missense variant does not alter protein structure/function; Has not been previously published as pathogenic or benign to our knowledge; This variant is associated with the following publications: (PMID: 26310628, 20461396)

Labcorp Genetics (formerly Invitae), Labcorp
Classification: Uncertain significance for Charcot-Marie-Tooth disease, type I. Last evaluated: 2023-10-14. Review status: criteria provided, single submitter. Criteria: Invitae Variant Classification Sherloc (09022015). Collection method: clinical testing. Allele origin: germline.
Comment: This sequence change replaces histidine, which is basic and polar, with glutamine, which is neutral and polar, at codon 115 of the MPZ protein (p.His115Gln). This variant is present in population databases (rs752484126, gnomAD 0.0009%). This variant has not been reported in the literature in individuals affected with MPZ-related conditions. ClinVar contains an entry for this variant (Variation ID: 1361046). Advanced modeling of protein sequence and biophysical properties (such as structural, functional, and spatial information, amino acid conservation, physicochemical variation, residue mobility, and thermodynamic stability) performed at Invitae indicates that this missense variant is not expected to disrupt MPZ protein function. In summary, the available evidence is currently insufficient to determine the role of this variant in disease. Therefore, it has been classified as a Variant of Uncertain Significance.